The following is an entry in ClinVar:

ClinVar aggregate classification (germline): Likely benign (1 of 4 stars; one submission).

Conditions:
TBC1D1-related disorder. Also called: TBC1D1-related condition.

gnomAD v4.1: 62 of 1,614,252 alleles (0.0038%); highest among the groups gnomAD compares: South Asian, 0.068%; 1 homozygote.

Submission:

PreventionGenetics, part of Exact Sciences
Classification: Likely benign for TBC1D1-related condition. Last evaluated: 2025-03-23. Review status: criteria provided, single submitter. Criteria: ACMG Guidelines, 2015. Collection method: clinical testing. Allele origin: germline.
Comment: This variant is classified as likely benign based on ACMG/AMP sequence variant interpretation guidelines (Richards et al. 2015 PMID: 25741868, with internal and published modifications).

NM_001396959.1(TBC1D1):c.3519A>G (p.Arg1173=)

Gene: TBC1D1 (TBC1 domain family member 1; plus strand). Cytogenetic location: 4p14.
Variant type: single nucleotide variant.
Coding change: c.3519A>G on transcript NM_001396959.1 (MANE Select); coding-DNA position 3519, A replaced by G.
Protein change: p.Arg1173=; no amino-acid change (arginine 1173 retained).
Molecular consequence: synonymous variant.
Genome position (GRCh38, 1-based): chr4:38,133,188, A>G. VCF-style: chr4-38133188-A-G. GRCh37 (hg19) VCF-style: chr4-38134809-A-G.
Other names: c.3210A>G, p.Arg1070= (NM_001253912.2); c.528A>G, p.Arg176= (NM_001253913.2, NM_001253914.2); c.273A>G, p.Arg91= (NM_001253915.2); c.3237A>G, p.Arg1079= (NM_015173.4).
Identifiers: ClinVar variation 4981498 (VCV004981498.1).
Genomic context (GRCh38, chr4:38,133,188, plus strand): 5'-TGAGTACCACGTCCTTCAAGAAGAACTTATCGATTCCTCTCCTCTCAGTGACAACCAAAG[A>G]ATGGATAAATTAGAGAAAACCAACAGCAGCTTACGCAAACAGAACCTTGACCTCCTTGAA-3'
Protein context (NP_001383888.1, residues 1163-1183): IDSSPLSDNQ[Arg1173=]MDKLEKTNSS